The following is an entry in ClinVar:

ClinVar aggregate classification (germline): Uncertain significance (1 of 4 stars; one submission).

Conditions:
Hereditary cancer-predisposing syndrome. Also called: Tumor predisposition; Hereditary Cancer Syndrome; Hereditary neoplastic syndrome; Neoplastic Syndromes, Hereditary. Identifiers: Orphanet 140162, MedGen C0027672, MeSH D009386, MONDO:0015356.

Submission:

Ambry Genetics
Classification: Uncertain significance for Hereditary cancer-predisposing syndrome. Last evaluated: 2023-07-12. Review status: criteria provided, single submitter. Criteria: Ambry Variant Classification Scheme 2023. Collection method: clinical testing. Allele origin: germline.
Comment: The p.K644N variant (also known as c.1932A>C), located in coding exon 10 of the BRCA2 gene, results from an A to C substitution at nucleotide position 1932. The lysine at codon 644 is replaced by asparagine, an amino acid with similar properties. This amino acid position is conserved. In addition, this alteration is predicted to be tolerated by in silico analysis. Since supporting evidence is limited at this time, the clinical significance of this alteration remains unclear.

NM_000059.4(BRCA2):c.1932A>C (p.Lys644Asn)

Gene: BRCA2 (BRCA2 DNA repair associated; plus strand). Cytogenetic location: 13q13.1.
Variant type: single nucleotide variant.
Coding change: c.1932A>C on transcript NM_000059.4 (MANE Select); coding-DNA position 1932, A replaced by C.
Protein change: p.Lys644Asn; replaces lysine 644 with asparagine.
Molecular consequence: missense variant. On other transcripts: non-coding transcript variant (1), intron variant (2).
Genome position (GRCh38, 1-based): chr13:32,336,287, A>C. VCF-style: chr13-32336287-A-C. GRCh37 (hg19) VCF-style: chr13-32910424-A-C.
Other names: c.1932A>C, p.Lys644Asn (NM_001406719.1, NM_001406720.1); c.1909+2900A>C (NM_001406721.1); c.424+5257A>C (NM_001406722.1); short protein forms K644N.
Identifiers: ClinVar variation 2624748 (VCV002624748.2), dbSNP rs2137481942, ClinGen allele CA387768314.